The following is an entry in ClinVar:

ClinVar aggregate classification (germline): Conflicting classifications of pathogenicity. Review status: criteria provided, conflicting classifications (1 of 4 stars). 3 submissions from 3 submitters: Uncertain significance (2); Likely benign (1). Last evaluated 2025-12-11.

Conditions:
Inborn genetic diseases. Identifiers: MedGen C0950123, MeSH D030342.

gnomAD v4.1: 5 of 1,613,654 alleles (0.00031%); highest among the groups gnomAD compares: Middle Eastern, 0.016%; no homozygotes.

Submissions (3):

Ambry Genetics
Classification: Likely benign for Inborn genetic diseases. Last evaluated: 2025-12-11. Review status: criteria provided, single submitter. Criteria: Ambry Variant Classification Scheme 2023. Collection method: clinical testing. Allele origin: germline.

Labcorp Genetics (formerly Invitae), Labcorp
Classification: Uncertain significance. Last evaluated: 2024-07-15. Review status: criteria provided, single submitter. Criteria: Invitae Variant Classification Sherloc (09022015). Collection method: clinical testing. Allele origin: germline.
Comment: This sequence change replaces glutamic acid, which is acidic and polar, with aspartic acid, which is acidic and polar, at codon 520 of the KMT2A protein (p.Glu520Asp). This variant is present in population databases (no rsID available, gnomAD 0.009%). This variant has not been reported in the literature in individuals affected with KMT2A-related conditions. Advanced modeling of protein sequence and biophysical properties (such as structural, functional, and spatial information, amino acid conservation, physicochemical variation, residue mobility, and thermodynamic stability) performed at Invitae indicates that this missense variant is not expected to disrupt KMT2A protein function with a negative predictive value of 95%. In summary, the available evidence is currently insufficient to determine the role of this variant in disease. Therefore, it has been classified as a Variant of Uncertain Significance.

Blueprint Genetics
Classification: Uncertain significance. Last evaluated: 2022-05-30. Review status: criteria provided, single submitter. Criteria: ACMG Guidelines, 2015. Collection method: clinical testing. Allele origin: germline.

NM_001197104.2(KMT2A):c.1560A>T (p.Glu520Asp)

Gene: KMT2A (lysine methyltransferase 2A; plus strand). Cytogenetic location: 11q23.3.
Variant type: single nucleotide variant.
Coding change: c.1560A>T on transcript NM_001197104.2 (MANE Select); coding-DNA position 1560, A replaced by T.
Protein change: p.Glu520Asp; replaces glutamic acid 520 with aspartic acid.
Molecular consequence: missense variant.
Genome position (GRCh38, 1-based): chr11:118,472,719, A>T. VCF-style: chr11-118472719-A-T. GRCh37 (hg19) VCF-style: chr11-118343434-A-T.
Other names: c.1659A>T, p.Glu553Asp (NM_001412597.1); c.1560A>T, p.Glu520Asp (NM_005933.4); short protein forms E520D, E553D.
Identifiers: ClinVar variation 3703789 (VCV003703789.4).
Genomic context (GRCh38, chr11:118,472,719, plus strand): 5'-TGAGGAGCGGAGCGATACCCCTGAAGTTCATCCTCCACTGCCCATTTCCCAGTCCCCAGA[A>T]AATGAGAGTAATGATAGGAGAAGCAGAAGGTATTCAGTGTCGGAGAGAAGTTTTGGATCT-3'
Protein context (NP_001184033.1, residues 510-530): HPPLPISQSP[Glu520Asp]NESNDRRSRR